The following is an entry in ClinVar:

ClinVar aggregate classification (germline): Uncertain significance (1 of 4 stars; one submission).

Conditions:
Familial thoracic aortic aneurysm and aortic dissection (TAAD). Also called: Thoracic aortic aneurysms and dissections. Identifiers: Orphanet 91387, MedGen C4707243, MONDO:0019625.

Submission:

All of Us Research Program, National Institutes of Health
Classification: Uncertain significance for Familial thoracic aortic aneurysm and aortic dissection. Last evaluated: 2023-08-15. Review status: criteria provided, single submitter. Criteria: ACMG Guidelines, 2015. Collection method: clinical testing. Allele origin: germline. Inheritance: Autosomal dominant inheritance. Observed: 1 variant allele, 1 heterozygote.
Comment: This study involves interpretation of variants in research participants for the purpose of population health screening. Participant phenotype was not available at the time of variant classification. Additional details can be found in publication PMID: 35346344, PMCID: PMC8962531

NM_002474.3(MYH11):c.3244A>G (p.Lys1082Glu)

Gene: MYH11 (myosin heavy chain 11; minus strand). Cytogenetic location: 16p13.11.
Variant type: single nucleotide variant.
Coding change: c.3244A>G on transcript NM_002474.3 (MANE Select); coding-DNA position 3244, A replaced by G.
Protein change: p.Lys1082Glu; replaces lysine 1082 with glutamic acid.
Molecular consequence: missense variant.
Genome position (GRCh38, 1-based): chr16:15,737,498, T>C on the plus strand (A>G on the coding strand, the complement: MYH11 is on the minus strand). VCF-style: chr16-15737498-T-C. GRCh37 (hg19) VCF-style: chr16-15831355-T-C.
Other names: c.3265A>G, p.Lys1089Glu (NM_001040113.2, NM_001040114.2); c.3244A>G, p.Lys1082Glu (NM_022844.3); short protein forms K1082E, K1089E.
Identifiers: ClinVar variation 3072580 (VCV003072580.1), dbSNP rs2506185666, ClinGen allele CA394862925.